The following is an entry in ClinVar:

NM_000209.4(PDX1):c.107T>G (p.Leu36Arg)

Gene: PDX1 (pancreatic and duodenal homeobox 1; plus strand). Cytogenetic location: 13q12.2.
Variant type: single nucleotide variant.
Coding change: c.107T>G on transcript NM_000209.4 (MANE Select); coding-DNA position 107, T replaced by G.
Protein change: p.Leu36Arg; replaces leucine 36 with arginine.
Molecular consequence: missense variant.
Genome position (GRCh38, 1-based): chr13:27,920,245, T>G. VCF-style: chr13-27920245-T-G. GRCh37 (hg19) VCF-style: chr13-28494382-T-G.
Other names: short protein forms L36R.
Identifiers: ClinVar variation 1515252 (VCV001515252.8), dbSNP rs936861677, ClinGen allele CA247262919.
Genomic context (GRCh38, chr13:27,920,245, plus strand): 5'-ACCCATGCGCGTTCCAGCGAGGCCCGGCGCCGGAGTTCAGCGCCAGCCCCCCTGCGTGCC[T>G]GTACATGGGCCGCCAGCCCCCGCCGCCGCCGCCGCACCCGTTCCCTGGCGCCCTGGGCGC-3'
Protein context (NP_000200.1, residues 26-46): PEFSASPPAC[Leu36Arg]YMGRQPPPPP

ClinVar aggregate classification (germline): Uncertain significance. Review status: criteria provided, multiple submitters, no conflicts (2 of 4 stars). 2 submissions from 2 submitters: Uncertain significance (2). Last evaluated 2022-08-16.

Conditions:
Type 2 diabetes mellitus. Also called: Type II diabetes mellitus. Identifiers: MedGen C0011860, MeSH D003924, MONDO:0005148, OMIM 125853, HP:0005978.
Maturity-onset diabetes of the young type 4 (MODY4). Also called: Maturity-onset diabetes of the young, type IV; MODY, type IV. Identifiers: Orphanet 552, MedGen C1833382, MONDO:0011667, OMIM 606392.

Submissions (2):

Labcorp Genetics (formerly Invitae), Labcorp
Classification: Uncertain significance. Last evaluated: 2022-08-16. Review status: criteria provided, single submitter. Criteria: Invitae Variant Classification Sherloc (09022015). Collection method: clinical testing. Allele origin: germline.
Comment: In summary, the available evidence is currently insufficient to determine the role of this variant in disease. Therefore, it has been classified as a Variant of Uncertain Significance. Advanced modeling of protein sequence and biophysical properties (such as structural, functional, and spatial information, amino acid conservation, physicochemical variation, residue mobility, and thermodynamic stability) performed at Invitae indicates that this missense variant is expected to disrupt PDX1 protein function. ClinVar contains an entry for this variant (Variation ID: 1515252). This variant has not been reported in the literature in individuals affected with PDX1-related conditions. The frequency data for this variant in the population databases is considered unreliable, as metrics indicate poor data quality at this position in the gnomAD database. This sequence change replaces leucine, which is neutral and non-polar, with arginine, which is basic and polar, at codon 36 of the PDX1 protein (p.Leu36Arg).

New York Genome Center
Classification: Uncertain significance for Type 2 diabetes mellitus; Maturity-onset diabetes of the young type 4. Last evaluated: 2021-10-18. Review status: criteria provided, single submitter. Criteria: NYGC Assertion Criteria 2020. Collection method: clinical testing. Allele origin: germline. Observed: 1 heterozygote.
Comment: The heterozygous c.107T>G (p.Leu36Arg) variant identified in the PDX1 gene substitutes a very well conserved Leucine for Arginine at amino acid36/283 (exon 1/2). This variant is absent from gnomAD(v3.1.1) and is found with low frequency in gnomAD(v2.1.1) (1 out 139702 heterozygous alleles, 0 homozygotes; allele frequency: 0.000007158) suggesting it is not a common benign variant in the populations represented in those databases. In silico algorithms predict this variant to be Tolerated (SIFT; score: 0.078) and Pathogenic (REVEL; score: 0.7369) to the function of the canonical transcript. This variant is absent from ClinVar and to our current knowledge has not been reported in affected individuals in the literature. Given the lack of compelling evidence for its pathogenicity, the c.107T>G(p.Leu36Arg) variant identified in the PDX1 gene is reported as a Variant of Uncertain Significance.